The following is an entry in ClinVar:

ClinVar aggregate classification (germline): Uncertain significance (1 of 4 stars; one submission).

Submission:

Labcorp Genetics (formerly Invitae), Labcorp
Classification: Uncertain significance. Last evaluated: 2025-09-17. Review status: criteria provided, single submitter. Criteria: Invitae Variant Classification Sherloc (09022015). Collection method: clinical testing. Allele origin: germline.
Comment: This sequence change creates a premature translational stop signal (p.Tyr228*) in the DTHD1 gene. It is expected to result in an absent or disrupted protein product. However, the current clinical and genetic evidence is not sufficient to establish whether loss-of-function variants in DTHD1 cause disease. This variant is not present in population databases (gnomAD no frequency). This variant has not been reported in the literature in individuals affected with DTHD1-related conditions. Algorithms developed to predict the effect of sequence changes on RNA splicing suggest that this variant may disrupt the consensus splice site. In summary, the available evidence is currently insufficient to determine the role of this variant in disease. Therefore, it has been classified as a Variant of Uncertain Significance.

NM_001170700.3(DTHD1):c.1554C>A (p.Tyr518Ter)

Gene: DTHD1 (death domain containing 1; plus strand). Cytogenetic location: 4p14.
Variant type: single nucleotide variant.
Coding change: c.1554C>A on transcript NM_001170700.3 (MANE Select); coding-DNA position 1554, C replaced by A.
Protein change: p.Tyr518Ter; replaces tyrosine 518 with a stop codon.
Molecular consequence: nonsense. On other transcripts: non-coding transcript variant (2).
Genome position (GRCh38, 1-based): chr4:36,294,950, C>A. VCF-style: chr4-36294950-C-A. GRCh37 (hg19) VCF-style: chr4-36296572-C-A.
Other names: c.684C>A, p.Tyr228Ter (NM_001136536.5); c.621C>A, p.Tyr207Ter (NM_001378435.1); short protein forms Y228*, Y518*, Y207*.
Identifiers: ClinVar variation 4734526 (VCV004734526.1).
Genomic context (GRCh38, chr4:36,294,950, plus strand): 5'-GCACCCATCAACTTATCCTTTTCAGAAGCCAGTCACTTTGTTTTTACCTTGTTCTCCATA[C>A]CTTGATAAAAACAACCTTGGTTCTGAGATAGATCATAAAAGAAGAGCAAGTGCCACAATA-3'